The following is an entry in ClinVar:

NM_018191.4(RCBTB1):c.634C>T (p.Gln212Ter)

Gene: RCBTB1 (RCC1 and BTB domain containing protein 1; minus strand). Cytogenetic location: 13q14.2.
Variant type: single nucleotide variant.
Coding change: c.634C>T on transcript NM_018191.4 (MANE Select); coding-DNA position 634, C replaced by T.
Protein change: p.Gln212Ter; replaces glutamine 212 with a stop codon.
Molecular consequence: nonsense. On other transcripts: non-coding transcript variant (2).
Genome position (GRCh38, 1-based): chr13:49,552,255, G>A on the plus strand (C>T on the coding strand, the complement: RCBTB1 is on the minus strand). VCF-style: chr13-49552255-G-A. GRCh37 (hg19) VCF-style: chr13-50126391-G-A.
Other names: c.634C>T, p.Gln212Ter (NM_001352500.2, NM_001352501.2, NM_001352502.2 and 3 more transcripts); c.55C>T, p.Gln19Ter (NM_001352506.2); short protein forms Q19*, Q212*.
Identifiers: ClinVar variation 971442 (VCV000971442.9), dbSNP rs749704655, ClinGen allele CA6982818.

ClinVar aggregate classification (germline): Pathogenic/Likely pathogenic. Review status: criteria provided, multiple submitters, no conflicts (2 of 4 stars). 2 submissions from 2 submitters: Pathogenic (1); Likely pathogenic (1). Last evaluated 2022-08-22.

Conditions:
RCBTB1-related disorder. Also called: RCBTB1-related condition.

Allele frequency attached by ClinVar (database versions not stated): ExAC 0.00001.
gnomAD v4.1: 12 of 1,602,456 alleles (0.00075%); highest among the groups gnomAD compares: Non-Finnish European, 0.00094%; no homozygotes.

Submissions (2):

Labcorp Genetics (formerly Invitae), Labcorp
Classification: Pathogenic. Last evaluated: 2022-08-22. Review status: criteria provided, single submitter. Criteria: Invitae Variant Classification Sherloc (09022015). Collection method: clinical testing. Allele origin: germline.
Comment: This variant has not been reported in the literature in individuals affected with RCBTB1-related conditions. This sequence change creates a premature translational stop signal (p.Gln212*) in the RCBTB1 gene. It is expected to result in an absent or disrupted protein product. Loss-of-function variants in RCBTB1 are known to be pathogenic (PMID: 31494449). The frequency data for this variant in the population databases is considered unreliable, as metrics indicate poor data quality at this position in the gnomAD database. ClinVar contains an entry for this variant (Variation ID: 971442). For these reasons, this variant has been classified as Pathogenic.

Blueprint Genetics
Classification: Likely pathogenic for RCBTB1-related disorders. Last evaluated: 2021-05-29. Review status: criteria provided, single submitter. Criteria: ACMG Guidelines, 2015. Collection method: clinical testing. Allele origin: germline. Affected: yes. Observed: 2 variant alleles.

Literature cited by the submitters: PubMed 31494449 (cited by Labcorp Genetics (formerly Invitae), Labcorp).